The following is an entry in ClinVar:

ClinVar aggregate classification (germline): Uncertain significance (1 of 4 stars; one submission).

Allele frequency attached by ClinVar (database versions not stated): TOPMed below 0.00001; gnomAD exomes below 0.00001.
gnomAD v4.1: 3 of 1,614,206 alleles (0.00019%); highest among the groups gnomAD compares: South Asian, 0.0011%; no homozygotes.

Submission:

GeneDx
Classification: Uncertain significance. Last evaluated: 2019-07-30. Review status: criteria provided, single submitter. Criteria: GeneDx Variant Classification Process June 2021. Collection method: clinical testing. Allele origin: germline. Affected: yes.
Comment: Not observed at a significant frequency in large population cohorts (Lek et al., 2016); In silico analysis, which includes protein predictors and evolutionary conservation, supports a deleterious effect; Has not been previously published as pathogenic or benign to our knowledge

NM_002972.4(SBF1):c.2461G>A (p.Asp821Asn)

Gene: SBF1 (SET binding factor 1; minus strand). Cytogenetic location: 22q13.33.
Variant type: single nucleotide variant.
Coding change: c.2461G>A on transcript NM_002972.4 (MANE Select); coding-DNA position 2461, G replaced by A.
Protein change: p.Asp821Asn; replaces aspartic acid 821 with asparagine.
Molecular consequence: missense variant.
Genome position (GRCh38, 1-based): chr22:50,462,055, C>T on the plus strand (G>A on the coding strand, the complement: SBF1 is on the minus strand). VCF-style: chr22-50462055-C-T. GRCh37 (hg19) VCF-style: chr22-50900484-C-T.
Other names: c.2464G>A, p.Asp822Asn (NM_001365819.1); short protein forms D821N, D822N.
Identifiers: ClinVar variation 1303402 (VCV001303402.2), dbSNP rs1569512384, ClinGen allele CA412209450.